The following is an entry in ClinVar:

ClinVar aggregate classification (germline): Uncertain significance. Review status: criteria provided, multiple submitters, no conflicts (2 of 4 stars). 2 submissions from 2 submitters: Uncertain significance (2). Last evaluated 2025-10-01.

Allele frequency attached by ClinVar (database versions not stated): ExAC 0.00003; gnomAD exomes 0.00009; gnomAD 0.00028; TOPMed 0.00028; 1000 Genomes Project 30x 0.00031; 1000 Genomes Project 0.00040.
gnomAD v4.1: 171 of 1,613,274 alleles (0.011%); highest among the groups gnomAD compares: Admixed American, 0.088%; 1 homozygote.

Submissions (2):

Ambry Genetics
Classification: Uncertain significance. Last evaluated: 2025-10-01. Review status: criteria provided, single submitter. Criteria: Ambry Variant Classification Scheme 2023. Collection method: clinical testing. Allele origin: germline.

Labcorp Genetics (formerly Invitae), Labcorp
Classification: Uncertain significance. Last evaluated: 2025-07-16. Review status: criteria provided, single submitter. Criteria: Invitae Variant Classification Sherloc (09022015). Collection method: clinical testing. Allele origin: germline.
Comment: This sequence change replaces arginine, which is basic and polar, with tryptophan, which is neutral and slightly polar, at codon 614 of the KANK2 protein (p.Arg614Trp). This variant is present in population databases (rs201580556, gnomAD 0.06%), and has an allele count higher than expected for a pathogenic variant. This variant has not been reported in the literature in individuals affected with KANK2-related conditions. ClinVar contains an entry for this variant (Variation ID: 2053572). An algorithm developed to predict the effect of missense changes on protein structure and function (PolyPhen-2) suggests that this variant is likely to be disruptive. In summary, the available evidence is currently insufficient to determine the role of this variant in disease. Therefore, it has been classified as a Variant of Uncertain Significance.

NM_001136191.3(KANK2):c.1840C>T (p.Arg614Trp)

Gene: KANK2 (KN motif and ankyrin repeat domains 2; minus strand). Cytogenetic location: 19p13.2.
Variant type: single nucleotide variant.
Coding change: c.1840C>T on transcript NM_001136191.3 (MANE Select); coding-DNA position 1840, C replaced by T.
Protein change: p.Arg614Trp; replaces arginine 614 with tryptophan.
Molecular consequence: missense variant.
Genome position (GRCh38, 1-based): chr19:11,175,910, G>A on the plus strand (C>T on the coding strand, the complement: KANK2 is on the minus strand). VCF-style: chr19-11175910-G-A. GRCh37 (hg19) VCF-style: chr19-11286586-G-A.
Other names: c.1864C>T (NM_015493.6); c.1840C>T, p.Arg614Trp (NM_001329451.2, NM_001379555.1, NM_001379556.1 and 7 more transcripts); c.1864C>T, p.Arg622Trp (NM_001379548.1, NM_001379549.1, NM_001379550.1 and 5 more transcripts); short protein forms R622W, R614W.
Identifiers: ClinVar variation 2053572 (VCV002053572.5), dbSNP rs201580556, ClinGen allele CA9205512.
Genomic context (GRCh38, chr19:11,175,910, plus strand): 5'-TGGAGGTAGGGGTCCGGGGGGTGGCCAACCTAGGCCCAGGGCCAGATCGTACCAGCTCCC[G>A]CTCTGTGAGGGCGTTGGGATTGTCCAGGTACTTTTCCAGGGCCAAGCAGGCTGAGATGAG-3'
Protein context (NP_001129663.1, residues 604-624): YLDNPNALTE[Arg614Trp]ELKVAYTTVL